The following is an entry in ClinVar:

ClinVar aggregate classification (germline): Uncertain significance. Review status: criteria provided, multiple submitters, no conflicts (2 of 4 stars). 2 submissions from 2 submitters: Uncertain significance (2). Last evaluated 2026-05-06.

Conditions:
Hereditary cancer-predisposing syndrome. Also called: Tumor predisposition; Neoplastic Syndromes, Hereditary; Hereditary neoplastic syndrome; Hereditary Cancer Syndrome. Identifiers: Orphanet 140162, MedGen C0027672, MeSH D009386, MONDO:0015356.
Multiple endocrine neoplasia, type 1 (MEN1). Also called: MEN I; WERMER SYNDROME; MEA I; Endocrine adenomatosis multiple; MEN 1. Identifiers: Orphanet 652, MedGen C0025267, MeSH D018761, MONDO:0007540, OMIM 131100.

Allele frequency attached by ClinVar (database versions not stated): gnomAD exomes 0.00001.
gnomAD v4.1: 10 of 1,595,676 alleles (0.00063%); highest among the groups gnomAD compares: Non-Finnish European, 0.00085%; no homozygotes.

Submissions (2):

Ambry Genetics
Classification: Uncertain significance for Hereditary cancer-predisposing syndrome. Last evaluated: 2026-05-06. Review status: criteria provided, single submitter. Criteria: Ambry Variant Classification Scheme 2023. Collection method: clinical testing. Allele origin: germline.
Comment: The p.S487F variant (also known as c.1460C>T), located in coding exon 9 of the MEN1 gene, results from a C to T substitution at nucleotide position 1460. The serine at codon 487 is replaced by phenylalanine, an amino acid with highly dissimilar properties. This amino acid position is well conserved in available vertebrate species. In addition, the in silico prediction for this alteration is inconclusive. Based on the available evidence, the clinical significance of this variant remains unclear.

Labcorp Genetics (formerly Invitae), Labcorp
Classification: Uncertain significance for Multiple endocrine neoplasia, type 1. Last evaluated: 2024-05-06. Review status: criteria provided, single submitter. Criteria: Invitae Variant Classification Sherloc (09022015). Collection method: clinical testing. Allele origin: germline.
Comment: This sequence change replaces serine, which is neutral and polar, with phenylalanine, which is neutral and non-polar, at codon 487 of the MEN1 protein (p.Ser487Phe). This variant is not present in population databases (gnomAD no frequency). This variant has not been reported in the literature in individuals affected with MEN1-related conditions. ClinVar contains an entry for this variant (Variation ID: 846556). Advanced modeling of protein sequence and biophysical properties (such as structural, functional, and spatial information, amino acid conservation, physicochemical variation, residue mobility, and thermodynamic stability) performed at Invitae indicates that this missense variant is expected to disrupt MEN1 protein function with a positive predictive value of 95%. In summary, the available evidence is currently insufficient to determine the role of this variant in disease. Therefore, it has been classified as a Variant of Uncertain Significance.

NM_001370259.2(MEN1):c.1460C>T (p.Ser487Phe)

Gene: MEN1 (menin 1; minus strand). Cytogenetic location: 11q13.1.
Variant type: single nucleotide variant.
Coding change: c.1460C>T on transcript NM_001370259.2 (MANE Select); coding-DNA position 1460, C replaced by T.
Protein change: p.Ser487Phe; replaces serine 487 with phenylalanine.
Molecular consequence: missense variant.
Genome position (GRCh38, 1-based): chr11:64,804,707, G>A on the plus strand (C>T on the coding strand, the complement: MEN1 is on the minus strand). VCF-style: chr11-64804707-G-A. GRCh37 (hg19) VCF-style: chr11-64572179-G-A.
Other names: c.1475C>T, p.Ser492Phe (NM_000244.4, NM_130803.3, NM_130804.3 and 3 more transcripts); c.1586C>T, p.Ser529Phe (NM_001370251.2); c.1460C>T, p.Ser487Phe (NM_001370260.2, NM_001370261.2, NM_130799.3); c.1355C>T, p.Ser452Phe (NM_001370262.2, NM_001370263.2); short protein forms S452F, S529F, S487F, S492F.
Identifiers: ClinVar variation 846556 (VCV000846556.10), dbSNP rs1941546652, ClinGen allele CA381179172.